The following is an entry in ClinVar:

NM_030954.4(RNF170):c.396G>A (p.Thr132=)

Gene: RNF170 (ring finger protein 170; minus strand). Cytogenetic location: 8p11.21.
Variant type: single nucleotide variant.
Coding change: c.396G>A on transcript NM_030954.4 (MANE Select); coding-DNA position 396, G replaced by A.
Protein change: p.Thr132=; no amino-acid change (threonine 132 retained).
Molecular consequence: synonymous variant.
Genome position (GRCh38, 1-based): chr8:42,865,416, C>T on the plus strand (G>A on the coding strand, the complement: RNF170 is on the minus strand). VCF-style: chr8-42865416-C-T. GRCh37 (hg19) VCF-style: chr8-42720559-C-T.
Other names: c.396G>A, p.Thr132= (NM_001160223.2, NM_001160224.2); c.144G>A, p.Thr48= (NM_001160225.2).
Identifiers: ClinVar variation 1526236 (VCV001526236.1), dbSNP rs766110198, ClinGen allele CA4734889.

ClinVar aggregate classification (germline): Uncertain significance (1 of 4 stars; one submission).

Conditions:
Spastic paraplegia 85, autosomal recessive (SPG85). Identifiers: Orphanet 631082, MedGen C5562053, MONDO:0030512, OMIM 619686.

Allele frequency attached by ClinVar (database versions not stated): gnomAD exomes below 0.00001; TOPMed below 0.00001; ExAC 0.00001.
gnomAD v4.1: 3 of 1,609,648 alleles (0.00019%); highest among the groups gnomAD compares: East Asian, 0.0022%; no homozygotes.

Submission:

3billion
Classification: Uncertain significance for Spastic paraplegia 85, autosomal recessive. Last evaluated: 2022-03-22. Review status: criteria provided, single submitter. Criteria: ACMG Guidelines, 2015. Collection method: clinical testing. Allele origin: germline. Affected: yes. Observed: 1 heterozygote.
Comment: The variant is observed at an extremely low frequency in the gnomAD v2.1.1 dataset (total allele frequency:0.000004). In silico tools predict the variant to alter splicing and produce an abnormal transcript (SPLICEAI: 0.95>=0.8). The variant is in trans with the other variant (3billion dataset). Therefore, this variant is classified as uncertain significance according to the recommendation of ACMG/AMP guideline.